The following is an entry in ClinVar:

ClinVar aggregate classification (germline): Likely pathogenic (1 of 4 stars; one submission).

Conditions:
Weiss-Kruszka syndrome. Also called: Metopic ridging-ptosis-facial dysmorphism syndrome. Identifiers: Orphanet 502430, MedGen C5568107, MONDO:0032836, OMIM 618619.

Submission:

3billion
Classification: Likely pathogenic for Weiss-Kruszka syndrome. Last evaluated: 2023-07-06. Review status: criteria provided, single submitter. Criteria: ACMG Guidelines, 2015. Collection method: clinical testing. Allele origin: germline. Affected: yes.
Comment: The variant is not observed in the gnomAD v2.1.1 dataset. Predicted Consequence/Location: Stop-gained (nonsense): predicted to result in a loss or disruption of normal protein function through nonsense-mediated decay (NMD) or protein truncation. Multiple pathogenic variants are reported downstream of the variant. Therefore, this variant is classified as Likely pathogenic according to the recommendation of ACMG/AMP guideline.

NM_021224.6(ZNF462):c.741G>A (p.Trp247Ter)

Gene: ZNF462 (zinc finger protein 462; plus strand). Cytogenetic location: 9q31.2.
Variant type: single nucleotide variant.
Coding change: c.741G>A on transcript NM_021224.6 (MANE Select); coding-DNA position 741, G replaced by A.
Protein change: p.Trp247Ter; replaces tryptophan 247 with a stop codon.
Molecular consequence: nonsense.
Genome position (GRCh38, 1-based): chr9:106,924,653, G>A. VCF-style: chr9-106924653-G-A. GRCh37 (hg19) VCF-style: chr9-109686934-G-A.
Other names: c.741G>A, p.Trp247Ter (NM_001347997.2); short protein forms W247*.
Identifiers: ClinVar variation 3775955 (VCV003775955.1).